The following is an entry in ClinVar:

NM_199420.4(POLQ):c.3133A>G (p.Arg1045Gly)

Gene: POLQ (DNA polymerase theta; minus strand). Cytogenetic location: 3q13.33.
Variant type: single nucleotide variant.
Coding change: c.3133A>G on transcript NM_199420.4 (MANE Select); coding-DNA position 3133, A replaced by G.
Protein change: p.Arg1045Gly; replaces arginine 1045 with glycine.
Molecular consequence: missense variant.
Genome position (GRCh38, 1-based): chr3:121,489,798, T>C on the plus strand (A>G on the coding strand, the complement: POLQ is on the minus strand). VCF-style: chr3-121489798-T-C. GRCh37 (hg19) VCF-style: chr3-121208645-T-C.
Other names: short protein forms R1045G.
Identifiers: ClinVar variation 1727988 (VCV001727988.4), dbSNP rs776849793, ClinGen allele CA2563119.

ClinVar aggregate classification (germline): Uncertain significance (1 of 4 stars; one submission).

Allele frequency attached by ClinVar (database versions not stated): gnomAD 0.00001; TOPMed 0.00001; ExAC 0.00002; gnomAD exomes 0.00003.
gnomAD v4.1: 46 of 1,612,862 alleles (0.0029%); highest among the groups gnomAD compares: Middle Eastern, 0.016%; no homozygotes.

Submission:

Ambry Genetics
Classification: Uncertain significance. Last evaluated: 2024-10-17. Review status: criteria provided, single submitter. Criteria: Ambry Variant Classification Scheme 2023. Collection method: clinical testing. Allele origin: germline.
Comment: The p.R1045G variant (also known as c.3133A>G), located in coding exon 16 of the POLQ gene, results from an A to G substitution at nucleotide position 3133. The arginine at codon 1045 is replaced by glycine, an amino acid with dissimilar properties. This amino acid position is conserved. In addition, this alteration is predicted to be tolerated by in silico analysis. Since supporting evidence is limited at this time, the clinical significance of this alteration remains unclear.